The following is an entry in ClinVar:

NM_005633.4(SOS1):c.2980T>G (p.Leu994Val)

Gene: SOS1 (SOS Ras/Rac guanine nucleotide exchange factor 1; minus strand). Cytogenetic location: 2p22.1.
Variant type: single nucleotide variant.
Coding change: c.2980T>G on transcript NM_005633.4 (MANE Select); coding-DNA position 2980, T replaced by G.
Protein change: p.Leu994Val; replaces leucine 994 with valine.
Molecular consequence: missense variant.
Genome position (GRCh38, 1-based): chr2:38,997,023, A>C on the plus strand (T>G on the coding strand, the complement: SOS1 is on the minus strand). VCF-style: chr2-38997023-A-C. GRCh37 (hg19) VCF-style: chr2-39224164-A-C.
Other names: c.2959T>G, p.Leu987Val (NM_001382394.1); c.2980T>G, p.Leu994Val (NM_001382395.1); short protein forms L994V, L987V.
Identifiers: ClinVar variation 2100642 (VCV002100642.4), dbSNP rs2528924041, ClinGen allele CA346361517.
Genomic context (GRCh38, chr2:38,997,023, plus strand): 5'-GGGATTTGTTGAAAAGATAATCTGTAAATTCCTTCTCCATGCTATTTCCCATCGGATTCA[A>C]GTTTTCAAAGAACCTCTAAAATAAATGCAAAGAAAAAATTATTAATATTCAAAATTATAA-3'
Protein context (NP_005624.2, residues 984-1004): ESDIKRFFEN[Leu994Val]NPMGNSMEKE

ClinVar aggregate classification (germline): Uncertain significance (1 of 4 stars; one submission).

Conditions:
RASopathy. Also called: rasopathies; Noonan spectrum disorder. Identifiers: Orphanet 536391, MedGen C5555857, MONDO:0021060.

gnomAD v4.1: 2 of 1,567,986 alleles (0.00013%); highest among the groups gnomAD compares: Non-Finnish European, 0.00018%; no homozygotes.

Submission:

Labcorp Genetics (formerly Invitae), Labcorp
Classification: Uncertain significance for RASopathy. Last evaluated: 2022-02-20. Review status: criteria provided, single submitter. Criteria: Invitae Variant Classification Sherloc (09022015). Collection method: clinical testing. Allele origin: germline.
Comment: In summary, the available evidence is currently insufficient to determine the role of this variant in disease. Therefore, it has been classified as a Variant of Uncertain Significance. Advanced modeling of protein sequence and biophysical properties (such as structural, functional, and spatial information, amino acid conservation, physicochemical variation, residue mobility, and thermodynamic stability) performed at Invitae indicates that this missense variant is expected to disrupt SOS1 protein function. This variant has not been reported in the literature in individuals affected with SOS1-related conditions. This variant is not present in population databases (gnomAD no frequency). This sequence change replaces leucine, which is neutral and non-polar, with valine, which is neutral and non-polar, at codon 994 of the SOS1 protein (p.Leu994Val).